The following is an entry in ClinVar:

ClinVar aggregate classification (germline): Conflicting classifications of pathogenicity. Review status: criteria provided, conflicting classifications (1 of 4 stars). 6 submissions from 6 submitters: Pathogenic (2); Likely pathogenic (2); Uncertain significance (1). 1 of the submissions does not count toward it. Last evaluated 2026-05-13.

Conditions:
Immunodeficiency 72 with autoinflammation. Also called: IMMUNODEFICIENCY 72 WITH AUTOINFLAMMATION AND LYMPHOPROLIFERATION. Identifiers: MedGen C5436540, MONDO:0033551, OMIM 618982.
NCKAP1L-related disorder. Also called: NCKAP1L-related condition.

Allele frequency attached by ClinVar (database versions not stated): gnomAD exomes below 0.00001 and 0.00001; ExAC 0.00001; TOPMed 0.00001; gnomAD 0.00002.
gnomAD v4.1: 12 of 1,611,930 alleles (0.00074%); highest among the groups gnomAD compares: African/African-American, 0.0013%; no homozygotes.

Submissions (6):

PreventionGenetics, part of Exact Sciences
Classification: Likely pathogenic for NCKAP1L-related condition. Last evaluated: 2026-05-13. Review status: criteria provided, single submitter. Criteria: ACMG Guidelines, 2015. Collection method: clinical testing. Allele origin: germline.
Comment: The NCKAP1L c.1076C>T variant is predicted to result in the amino acid substitution p.Pro359Leu. This variant has been reported in the compound heterozygous and homozygous states in three individuals with immunodeficiency, atopy, lymphoproliferation, and cytokine overproduction (Cook et al. 2020. PubMed ID: 32647003). The p.Pro359Leu change was found to destabilize the WAVE regulatory complex, which is required for F-actin nucleation and polymerization to form immunological synapses, and thus disrupts lymphocyte development. This variant is reported in 0.0062% of alleles in individuals of African descent in gnomAD. In summary, we interpret this variant as likely pathogenic.

Laboratorio de Genetica e Diagnostico Molecular, Hospital Israelita Albert Einstein
Classification: Pathogenic for Immunodeficiency 72 with autoinflammation. Last evaluated: 2025-06-13. Review status: criteria provided, single submitter. Criteria: ACMG Guidelines, 2015. Collection method: clinical testing. Allele origin: germline. Affected: yes.
Comment: ACMG classification criteria: PS3 supporting, PM2 supporting, PM3 strong, PP1 strong, PP3 supporting

Blueprint Genetics
Classification: Uncertain significance. Last evaluated: 2024-11-04. Review status: criteria provided, single submitter. Criteria: ACMG Guidelines, 2015. Collection method: clinical testing. Allele origin: germline.

Labcorp Genetics (formerly Invitae), Labcorp
Classification: Pathogenic. Last evaluated: 2024-07-08. Review status: criteria provided, single submitter. Criteria: Invitae Variant Classification Sherloc (09022015). Collection method: clinical testing. Allele origin: germline.
Comment: This sequence change replaces proline, which is neutral and non-polar, with leucine, which is neutral and non-polar, at codon 359 of the NCKAP1L protein (p.Pro359Leu). This variant is present in population databases (rs770633648, gnomAD 0.007%). This missense change has been observed in individuals with NCKAP1L-related conditions (PMID: 32647003, 35753512). It has also been observed to segregate with disease in related individuals. ClinVar contains an entry for this variant (Variation ID: 976846). An algorithm developed to predict the effect of missense changes on protein structure and function (PolyPhen-2) suggests that this variant is likely to be disruptive. Studies have shown that this missense change alters NCKAP1L gene expression (PMID: 32647003). For these reasons, this variant has been classified as Pathogenic.

SIB Swiss Institute of Bioinformatics
Classification: Likely pathogenic for Immunodeficiency 72 with autoinflammation. Last evaluated: 2021-04-13. Review status: criteria provided, single submitter. Criteria: ACMG Guidelines, 2015. Collection method: curation. Allele origin: unknown.
Comment: This variant is interpreted as likely pathogenic for Immunodeficiency 72 with autoinflammation, autosomal recessive. The following ACMG Tag(s) were applied: Absent from controls (or at extremely low frequency if recessive) in Exome Sequencing Project, 1000 Genomes Project, or Exome Aggregation Consortium (PM2); Well-established functional studies show a deleterious effect (PS3); For recessive disorders, detected in trans with a likely pathogenic/pathogenic variant (PM3 downgraded to supporting); Multiple lines of computational evidence support a deleterious effect on the gene or gene product (PP3).

OMIM
Classification: Pathogenic for IMMUNODEFICIENCY 72 WITH AUTOINFLAMMATION AND LYMPHOPROLIFERATION. Last evaluated: 2023-03-15. Review status: no assertion criteria provided. Collection method: literature only. Allele origin: germline. Not counted in ClinVar's aggregate classification.

Literature cited by the submitters: PubMed 32647003 (cited by 3 submitters); PubMed 35753512 (cited by Labcorp Genetics (formerly Invitae), Labcorp).

NM_005337.5(NCKAP1L):c.1076C>T (p.Pro359Leu)

Gene: NCKAP1L (NCK associated protein 1 like; plus strand). Cytogenetic location: 12q13.2.
Variant type: single nucleotide variant.
Coding change: c.1076C>T on transcript NM_005337.5 (MANE Select); coding-DNA position 1076, C replaced by T.
Protein change: p.Pro359Leu; replaces proline 359 with leucine.
Molecular consequence: missense variant.
Genome position (GRCh38, 1-based): chr12:54,516,973, C>T. VCF-style: chr12-54516973-C-T. GRCh37 (hg19) VCF-style: chr12-54910757-C-T.
Other names: c.926C>T, p.Pro309Leu (NM_001184976.2); short protein forms P359L, P309L.
Identifiers: ClinVar variation 976846 (VCV000976846.8), dbSNP rs770633648, ClinGen allele CA6609034.